The following is an entry in ClinVar:

ClinVar aggregate classification (germline): Uncertain significance. Review status: criteria provided, multiple submitters, no conflicts (2 of 4 stars). 2 submissions from 2 submitters: Uncertain significance (2). Last evaluated 2024-09-28.

Conditions:
Inborn genetic diseases. Identifiers: MedGen C0950123, MeSH D030342.

Allele frequency attached by ClinVar (database versions not stated): gnomAD exomes 0.00003; gnomAD 0.00005; TOPMed 0.00004.
gnomAD v4.1: 53 of 1,592,992 alleles (0.0033%); highest among the groups gnomAD compares: Non-Finnish European, 0.0038%; no homozygotes.

Submissions (2):

Labcorp Genetics (formerly Invitae), Labcorp
Classification: Uncertain significance. Last evaluated: 2024-09-28. Review status: criteria provided, single submitter. Criteria: Invitae Variant Classification Sherloc (09022015). Collection method: clinical testing. Allele origin: germline.
Comment: This sequence change replaces arginine, which is basic and polar, with cysteine, which is neutral and slightly polar, at codon 2966 of the DCHS1 protein (p.Arg2966Cys). This variant is present in population databases (rs753521014, gnomAD 0.006%). This variant has not been reported in the literature in individuals affected with DCHS1-related conditions. ClinVar contains an entry for this variant (Variation ID: 1943543). Invitae Evidence Modeling of protein sequence and biophysical properties (such as structural, functional, and spatial information, amino acid conservation, physicochemical variation, residue mobility, and thermodynamic stability) has been performed for this missense variant. However, the output from this modeling did not meet the statistical confidence thresholds required to predict the impact of this variant on DCHS1 protein function. In summary, the available evidence is currently insufficient to determine the role of this variant in disease. Therefore, it has been classified as a Variant of Uncertain Significance.

Ambry Genetics
Classification: Uncertain significance for Inborn genetic diseases. Last evaluated: 2024-03-07. Review status: criteria provided, single submitter. Criteria: Ambry Variant Classification Scheme 2023. Collection method: clinical testing. Allele origin: germline.

NM_003737.4(DCHS1):c.8896C>T (p.Arg2966Cys)

Gene: DCHS1 (dachsous cadherin-related 1; minus strand). Cytogenetic location: 11p15.4.
Variant type: single nucleotide variant.
Coding change: c.8896C>T on transcript NM_003737.4 (MANE Select); coding-DNA position 8896, C replaced by T.
Protein change: p.Arg2966Cys; replaces arginine 2966 with cysteine.
Molecular consequence: missense variant.
Genome position (GRCh38, 1-based): chr11:6,622,780, G>A on the plus strand (C>T on the coding strand, the complement: DCHS1 is on the minus strand). VCF-style: chr11-6622780-G-A. GRCh37 (hg19) VCF-style: chr11-6644011-G-A.
Other names: c.8896C>T (NM_003737.2); short protein forms R2966C.
Identifiers: ClinVar variation 1943543 (VCV001943543.6), dbSNP rs753521014, ClinGen allele CA5859336.